The following is an entry in ClinVar:

NM_000051.4(ATM):c.6584A>C (p.His2195Pro)

Genes: ATM (ATM serine/threonine kinase; plus strand), C11orf65 (chromosome 11 open reading frame 65; minus strand). Cytogenetic location: 11q22.3.
Variant type: single nucleotide variant.
Coding change: c.6584A>C on transcript NM_000051.4 (MANE Select); coding-DNA position 6584, A replaced by C.
Protein change: p.His2195Pro; replaces histidine 2195 with proline.
Molecular consequence: missense variant. On other transcripts: intron variant (2).
Genome position (GRCh38, 1-based): chr11:108,325,321, A>C. VCF-style: chr11-108325321-A-C. GRCh37 (hg19) VCF-style: chr11-108196048-A-C.
Other names: c.6584A>C, p.His2195Pro (NM_001351834.2); c.641-16250T>G (NM_001330368.2); c.*38+9899T>G (NM_001351110.2); short protein forms H2195P.
Identifiers: ClinVar variation 826496 (VCV000826496.10), dbSNP rs1565518051, ClinGen allele CA382554662.

ClinVar aggregate classification (germline): Uncertain significance. Review status: criteria provided, multiple submitters, no conflicts (2 of 4 stars). 2 submissions from 2 submitters: Uncertain significance (2). Last evaluated 2025-05-05.

Conditions:
Hereditary cancer-predisposing syndrome. Also called: Tumor predisposition; Neoplastic Syndromes, Hereditary; Hereditary Cancer Syndrome; Hereditary neoplastic syndrome. Identifiers: Orphanet 140162, MedGen C0027672, MeSH D009386, MONDO:0015356.
Ataxia-telangiectasia syndrome (AT). Also called: ATAXIA-TELANGIECTASIA, COMPLEMENTATION GROUP A; ATAXIA-TELANGIECTASIA, FRESNO VARIANT; Ataxia-telangiectasia; Ataxia-telangiectasia, complementation group D; AT, COMPLEMENTATION GROUP C; Ataxia-telangiectasia, complementation group E. Identifiers: Orphanet 100, MedGen C0004135, MONDO:0008840, OMIM 208900.

Submissions (2):

Ambry Genetics
Classification: Uncertain significance for Hereditary cancer-predisposing syndrome. Last evaluated: 2025-05-05. Review status: criteria provided, single submitter. Criteria: Ambry Variant Classification Scheme 2023. Collection method: clinical testing. Allele origin: germline.
Comment: The p.H2195P variant (also known as c.6584A>C), located in coding exon 45 of the ATM gene, results from an A to C substitution at nucleotide position 6584. The histidine at codon 2195 is replaced by proline, an amino acid with similar properties. This amino acid position is poorly conserved in available vertebrate species. In addition, this alteration is predicted to be tolerated by in silico analysis. Since supporting evidence is limited at this time, the clinical significance of this alteration remains unclear.

Labcorp Genetics (formerly Invitae), Labcorp
Classification: Uncertain significance for Ataxia-telangiectasia syndrome. Last evaluated: 2024-07-22. Review status: criteria provided, single submitter. Criteria: Invitae Variant Classification Sherloc (09022015). Collection method: clinical testing. Allele origin: germline.
Comment: This sequence change replaces histidine, which is basic and polar, with proline, which is neutral and non-polar, at codon 2195 of the ATM protein (p.His2195Pro). This variant is not present in population databases (gnomAD no frequency). This variant has not been reported in the literature in individuals affected with ATM-related conditions. ClinVar contains an entry for this variant (Variation ID: 826496). An algorithm developed to predict the effect of missense changes on protein structure and function (PolyPhen-2) suggests that this variant is likely to be tolerated. In summary, the available evidence is currently insufficient to determine the role of this variant in disease. Therefore, it has been classified as a Variant of Uncertain Significance.